The following is an entry in ClinVar:

NM_052867.4(NALCN):c.2943A>T (p.Gly981=)

Gene: NALCN (sodium leak channel, non-selective; minus strand). Cytogenetic location: 13q33.1.
Variant type: single nucleotide variant.
Coding change: c.2943A>T on transcript NM_052867.4 (MANE Select); coding-DNA position 2943, A replaced by T.
Protein change: p.Gly981=; no amino-acid change (glycine 981 retained).
Molecular consequence: synonymous variant.
Genome position (GRCh38, 1-based): chr13:101,103,286, T>A on the plus strand (A>T on the coding strand, the complement: NALCN is on the minus strand). VCF-style: chr13-101103286-T-A. GRCh37 (hg19) VCF-style: chr13-101755637-T-A.
Other names: c.3030A>T, p.Gly1010= (NM_001350748.2); c.2943A>T, p.Gly981= (NM_001350749.2); c.2856A>T, p.Gly952= (NM_001350750.2, NM_001350751.2).
Identifiers: ClinVar variation 1675104 (VCV001675104.2), dbSNP rs1436436193, ClinGen allele CA484553295.

ClinVar aggregate classification (germline): Uncertain significance (1 of 4 stars; one submission).

Conditions:
Congenital contractures of the limbs and face, hypotonia, and developmental delay (CLIFAHDD). Identifiers: Orphanet 562528, MedGen C4225398, MONDO:0014556, OMIM 616266.
Hypotonia, infantile, with psychomotor retardation and characteristic facies 1 (INNFD). Identifiers: Orphanet 371364, Orphanet 700336, MedGen C3809454, MONDO:0024567, OMIM 615419.

Allele frequency attached by ClinVar (database versions not stated): gnomAD 0.00001.
gnomAD v4.1: 4 of 1,613,720 alleles (0.00025%); highest among the groups gnomAD compares: African/African-American, 0.0053%; no homozygotes.

Submission:

Center for Genomics, Ann and Robert H. Lurie Children's Hospital of Chicago
Classification: Uncertain significance for Congenital contractures of the limbs and face, hypotonia, and developmental delay; Hypotonia, infantile, with psychomotor retardation and characteristic facies 1. Review status: criteria provided, single submitter. Criteria: ACMG Guidelines, 2015. Collection method: clinical testing. Allele origin: germline.
Comment: NALCN NM_052867.3 exon 26 p.Gly981= (c.2943A>T): This variant has not been reported in the literature but is present in 0.004% (2/41418) of African alleles in the Genome Aggregation Database. Evolutionary conservation and computational predictive tools for this variant are limited or unavailable. Of note, this variant is a silent variant and does not change the amino acid, reducing the probability that this variant is disease causing. In summary, data on this variant is insufficient for disease classification. Therefore, the clinical significance of this variant is uncertain.